The following is an entry in ClinVar:

ClinVar aggregate classification (germline): Uncertain significance. Review status: criteria provided, multiple submitters, no conflicts (2 of 4 stars). 3 submissions from 3 submitters: Uncertain significance (3). Last evaluated 2024-02-08.

Conditions:
Nephrotic syndrome 15. Identifiers: MedGen C4539896, MONDO:0033262, OMIM 617609.

Allele frequency attached by ClinVar (database versions not stated): gnomAD 0.00004 and 0.00005; gnomAD exomes 0.00005 and 0.00008; TOPMed 0.00005; ExAC 0.00007.
gnomAD v4.1: 117 of 1,614,020 alleles (0.0072%); highest among the groups gnomAD compares: Non-Finnish European, 0.0092%; no homozygotes.

Submissions (3):

Fulgent Genetics
Classification: Uncertain significance for Nephrotic syndrome 15. Last evaluated: 2024-02-08. Review status: criteria provided, single submitter. Criteria: ACMG Guidelines, 2015. Collection method: clinical testing. Allele origin: germline.

Labcorp Genetics (formerly Invitae), Labcorp
Classification: Uncertain significance. Last evaluated: 2021-12-23. Review status: criteria provided, single submitter. Criteria: Invitae Variant Classification Sherloc (09022015). Collection method: clinical testing. Allele origin: germline.
Comment: In summary, the available evidence is currently insufficient to determine the role of this variant in disease. Therefore, it has been classified as a Variant of Uncertain Significance. Algorithms developed to predict the effect of missense changes on protein structure and function (SIFT, PolyPhen-2, Align-GVGD) all suggest that this variant is likely to be disruptive. ClinVar contains an entry for this variant (Variation ID: 197794). This variant has not been reported in the literature in individuals affected with MAGI2-related conditions. This variant is present in population databases (rs773358292, gnomAD 0.01%). This sequence change replaces glutamic acid, which is acidic and polar, with aspartic acid, which is acidic and polar, at codon 309 of the MAGI2 protein (p.Glu309Asp).

Eurofins Ntd Llc (ga)
Classification: Uncertain significance. Last evaluated: 2015-04-02. Review status: criteria provided, single submitter. Criteria: EGL Classification Definitions 2015. Collection method: clinical testing. Allele origin: germline. Observed: 1 variant allele, 1 heterozygote.

NM_012301.4(MAGI2):c.927A>T (p.Glu309Asp)

Gene: MAGI2 (membrane associated guanylate kinase, WW and PDZ domain containing 2; minus strand). Cytogenetic location: 7q21.11.
Variant type: single nucleotide variant.
Coding change: c.927A>T on transcript NM_012301.4 (MANE Select); coding-DNA position 927, A replaced by T.
Protein change: p.Glu309Asp; replaces glutamic acid 309 with aspartic acid.
Molecular consequence: missense variant.
Genome position (GRCh38, 1-based): chr7:78,501,615, T>A on the plus strand (A>T on the coding strand, the complement: MAGI2 is on the minus strand). VCF-style: chr7-78501615-T-A. GRCh37 (hg19) VCF-style: chr7-78130932-T-A.
Other names: c.927A>T, p.Glu309Asp (NM_001301128.2); short protein forms E309D.
Identifiers: ClinVar variation 197794 (VCV000197794.9), dbSNP rs773358292, ClinGen allele CA246124.